The following is an entry in ClinVar:

ClinVar aggregate classification (germline): Uncertain significance (1 of 4 stars; one submission).

Conditions:
Cardiovascular phenotype. Identifiers: MedGen CN230736.

Allele frequency attached by ClinVar (database versions not stated): TOPMed below 0.00001; gnomAD 0.00001; gnomAD exomes 0.00001.
gnomAD v4.1: 13 of 1,613,866 alleles (0.00081%); highest among the groups gnomAD compares: Non-Finnish European, 0.001%; no homozygotes.

Submission:

Ambry Genetics
Classification: Uncertain significance for Cardiovascular phenotype. Last evaluated: 2023-05-15. Review status: criteria provided, single submitter. Criteria: Ambry Variant Classification Scheme 2023. Collection method: clinical testing. Allele origin: germline.
Comment: The p.I2973M variant (also known as c.8919T>G), located in coding exon 36 of the AKAP9 gene, results from a T to G substitution at nucleotide position 8919. The isoleucine at codon 2973 is replaced by methionine, an amino acid with highly similar properties. This amino acid position is poorly conserved in available vertebrate species. In addition, this alteration is predicted to be tolerated by in silico analysis. Since supporting evidence is limited at this time, the clinical significance of this alteration remains unclear.

NM_005751.5(AKAP9):c.8919T>G (p.Ile2973Met)

Gene: AKAP9 (A-kinase anchoring protein 9; plus strand). Cytogenetic location: 7q21.2.
Variant type: single nucleotide variant.
Coding change: c.8919T>G on transcript NM_005751.5 (MANE Select); coding-DNA position 8919, T replaced by G.
Protein change: p.Ile2973Met; replaces isoleucine 2973 with methionine.
Molecular consequence: missense variant.
Genome position (GRCh38, 1-based): chr7:92,085,581, T>G. VCF-style: chr7-92085581-T-G. GRCh37 (hg19) VCF-style: chr7-91714895-T-G.
Other names: c.3564T>G, p.Ile1188Met (NM_001379277.1); c.8895T>G, p.Ile2965Met (NM_147185.3); short protein forms I1188M, I2965M, I2973M.
Identifiers: ClinVar variation 1765096 (VCV001765096.3), dbSNP rs1312515973, ClinGen allele CA368142979.
Genomic context (GRCh38, chr7:92,085,581, plus strand): 5'-AGGCATGCAGGTGCTTTCTCTCACTGAGTCTCCCTATAGTGATGGAGAGGACCATTCTAT[T>G]CAGCAGGTTTCAGAACCTTGGCTAGAAGAGAGAAAAGCTTACATCAATACAATCTCATCT-3'
Protein context (NP_005742.4, residues 2963-2983): SPYSDGEDHS[Ile2973Met]QQVSEPWLEE